The following is an entry in ClinVar:

ClinVar aggregate classification (germline): Uncertain significance. Review status: criteria provided, multiple submitters, no conflicts (2 of 4 stars). 2 submissions from 2 submitters: Uncertain significance (2). Last evaluated 2024-10-25.

Conditions:
Developmental delay, hypotonia, and impaired language (DEDHIL). Identifiers: MedGen C5774202, MONDO:0859280, OMIM 620012.

Submissions (2):

3billion
Classification: Uncertain significance for Developmental delay, hypotonia, and impaired language. Last evaluated: 2024-10-25. Review status: criteria provided, single submitter. Criteria: ACMG Guidelines, 2015. Collection method: clinical testing. Allele origin: germline. Affected: yes.
Comment: The variant is not observed in the gnomAD v4.1.0 dataset. Predicted Consequence/Location: Missense variant. Missense changes are a common disease-causing mechanism. In silico tool predictions suggest damaging effect of the variant on gene or gene product [3Cnet: 0.93 (>=0.6, sensitivity 0.72 and precision 0.9)]. The variant has been reported as of uncertain significance (ClinVar ID: VCV001698348). Therefore, this variant is classified as VUS according to the recommendation of ACMG/AMP guideline.

GeneDx
Classification: Uncertain significance. Last evaluated: 2022-01-24. Review status: criteria provided, single submitter. Criteria: GeneDx Variant Classification Process June 2021. Collection method: clinical testing. Allele origin: germline. Affected: yes.
Comment: Not observed at significant frequency in large population cohorts (gnomAD); In silico analysis supports that this missense variant has a deleterious effect on protein structure/function; Variants in candidate genes are classified as variants of uncertain significance in accordance with ACMG guidelines (Richards et al., 2015); Has not been previously published as pathogenic or benign to our knowledge

NM_001349798.2(FBXW7):c.1875T>G (p.Ser625Arg)

Gene: FBXW7 (F-box and WD repeat domain containing 7; minus strand). Cytogenetic location: 4q31.3.
Variant type: single nucleotide variant.
Coding change: c.1875T>G on transcript NM_001349798.2 (MANE Select); coding-DNA position 1875, T replaced by G.
Protein change: p.Ser625Arg; replaces serine 625 with arginine.
Molecular consequence: missense variant.
Genome position (GRCh38, 1-based): chr4:152,323,130, A>C on the plus strand (T>G on the coding strand, the complement: FBXW7 is on the minus strand). VCF-style: chr4-152323130-A-C. GRCh37 (hg19) VCF-style: chr4-153244282-A-C.
Other names: c.1521T>G, p.Ser507Arg (NM_001013415.2); c.1635T>G, p.Ser545Arg (NM_018315.5); c.1875T>G, p.Ser625Arg (NM_033632.3); short protein forms S507R, S545R, S625R.
Identifiers: ClinVar variation 1698348 (VCV001698348.3), dbSNP rs2126466071, ClinGen allele CA358617297.